The following is an entry in ClinVar:

ClinVar aggregate classification (germline): Uncertain significance (1 of 4 stars; one submission).

gnomAD v4.1: 1 of 1,610,782 alleles (0.000062%); highest among the groups gnomAD compares: Non-Finnish European, 0.000085%; no homozygotes.

Submission:

Labcorp Genetics (formerly Invitae), Labcorp
Classification: Uncertain significance. Last evaluated: 2022-10-13. Review status: criteria provided, single submitter. Criteria: Invitae Variant Classification Sherloc (09022015). Collection method: clinical testing. Allele origin: germline.
Comment: In summary, the available evidence is currently insufficient to determine the role of this variant in disease. Therefore, it has been classified as a Variant of Uncertain Significance. Advanced modeling of protein sequence and biophysical properties (such as structural, functional, and spatial information, amino acid conservation, physicochemical variation, residue mobility, and thermodynamic stability) performed at Invitae indicates that this missense variant is not expected to disrupt ADGRV1 protein function. ClinVar contains an entry for this variant (Variation ID: 1489171). This variant has not been reported in the literature in individuals affected with ADGRV1-related conditions. This variant is not present in population databases (gnomAD no frequency). This sequence change replaces aspartic acid, which is acidic and polar, with asparagine, which is neutral and polar, at codon 4691 of the ADGRV1 protein (p.Asp4691Asn).

NM_032119.4(ADGRV1):c.14071G>A (p.Asp4691Asn)

Gene: ADGRV1 (adhesion G protein-coupled receptor V1; plus strand). Cytogenetic location: 5q14.3.
Variant type: single nucleotide variant.
Coding change: c.14071G>A on transcript NM_032119.4 (MANE Select); coding-DNA position 14071, G replaced by A.
Protein change: p.Asp4691Asn; replaces aspartic acid 4691 with asparagine.
Molecular consequence: missense variant. On other transcripts: non-coding transcript variant (1).
Genome position (GRCh38, 1-based): chr5:90,790,900, G>A. VCF-style: chr5-90790900-G-A. GRCh37 (hg19) VCF-style: chr5-90086717-G-A.
Other names: short protein forms D4691N.
Identifiers: ClinVar variation 1489171 (VCV001489171.6), dbSNP rs2150133648, ClinGen allele CA360399496.